The following is an entry in ClinVar:

ClinVar aggregate classification (germline): Likely pathogenic (1 of 4 stars; one submission).

Conditions:
Neurodevelopmental disorder with poor growth and skeletal anomalies. Identifiers: MedGen C5676990, MONDO:0859252, OMIM 619880.

Submission:

Pediatric/Medical Genetics, Ministry of Health, Qatif Central Hospital
Classification: Likely pathogenic for Neurodevelopmental disorder with poor growth and skeletal anomalies. Review status: criteria provided, single submitter. Criteria: ACMG Guidelines, 2015. Collection method: clinical testing. Allele origin: germline. Inheritance: Autosomal recessive inheritance. Affected: yes.
Comment: This variant has not been reported in the literature and is not present in general population databases (gnomAD: no frequency). This sequence change is a deletion of two nucleotides c.194_195del, which would cause a frameshift in the protein’s reading frame and alter the amino acid sequence beginning at codon 65. It is expected to result in an absent or disrupted protein product. Loss- of-function variants in PCDHGC4 are rare, and there is no record of any homozygote in general population databases. In summary, while the available evidence is currently insufficient to determine the role of this variant in disease with certainty, it has been classified here as Likely Pathogenic. It was found in a homozygous state in two affected siblings with obligate carrier parents. Considering the homozygous likely pathogenic variant in PCDHGC4 and the supportive phenotype of the affected siblings, a genetic diagnosis of NEDGS is highly suggested.

NM_018928.3(PCDHGC4):c.194_195del (p.Gln65fs)

Genes: PCDHG@ (protocadherin gamma cluster; plus strand), PCDHGA1 (protocadherin gamma subfamily A, 1; plus strand), PCDHGA10 (protocadherin gamma subfamily A, 10; plus strand), PCDHGA11 (protocadherin gamma subfamily A, 11; plus strand), PCDHGA12 (protocadherin gamma subfamily A, 12; plus strand) and 17 more. Cytogenetic location: 5q31.3.
Variant type: Deletion.
Coding change: c.194_195del on transcript NM_018928.3 (MANE Select); coding-DNA positions 194 to 195, 2 bases deleted (AG; older notation c.194_195delAG).
Protein change: p.Gln65fs; shifts the reading frame from glutamine 65.
Molecular consequence: frameshift variant. On other transcripts: intron variant (23).
Genome position (GRCh38, 1-based): chr5:141,485,367-141,485,368, AG deleted. VCF-style (leftmost placement, unchanged base first): chr5-141485366-CAG-C. GRCh37 (hg19) VCF-style: chr5-140864933-CAG-C.
Other names: c.194_195del, p.Gln65fs (NM_032406.1); c.2422-9440_2422-9439del (NM_018912.3, NM_018923.3, NM_018918.3); c.2425-9440_2425-9439del (NM_018915.4, NM_018916.4, NM_018919.3 and 4 more transcripts); c.2410-9440_2410-9439del (NM_018922.3); c.2515-9440_2515-9439del (NM_018917.4); c.2416-9440_2416-9439del (NM_018924.5, NM_018927.4); c.2398-9440_2398-9439del (NM_003736.4, NM_018925.3); c.2419-9440_2419-9439del (NM_018926.3); and 6 more; short protein forms Q65fs.
Identifiers: ClinVar variation 3255523 (VCV003255523.1).